The following is an entry in ClinVar:

ClinVar aggregate classification (germline): Uncertain significance. Review status: criteria provided, multiple submitters, no conflicts (2 of 4 stars). 2 submissions from 2 submitters: Uncertain significance (2). Last evaluated 2025-04-23.

Conditions:
TWNK-related disorder. Also called: TWNK-related condition.

Allele frequency attached by ClinVar (database versions not stated): gnomAD exomes below 0.00001; ExAC 0.00001; gnomAD 0.00001; 1000 Genomes Project 0.00020; 1000 Genomes Project 30x 0.00031.

Submissions (2):

PreventionGenetics, part of Exact Sciences
Classification: Uncertain significance for TWNK-related condition. Last evaluated: 2025-04-23. Review status: criteria provided, single submitter. Criteria: ACMG Guidelines, 2015. Collection method: clinical testing. Allele origin: germline.
Comment: The TWNK c.1942G>C variant is predicted to result in the amino acid substitution p.Val648Leu. To our knowledge, this variant has not been reported in the literature. This variant is reported in 0.020% of alleles in individuals of East Asian descent in gnomAD. At this time, the clinical significance of this variant is uncertain due to the absence of conclusive functional and genetic evidence.

Labcorp Genetics (formerly Invitae), Labcorp
Classification: Uncertain significance. Last evaluated: 2023-04-17. Review status: criteria provided, single submitter. Criteria: Invitae Variant Classification Sherloc (09022015). Collection method: clinical testing. Allele origin: germline.
Comment: This sequence change replaces valine, which is neutral and non-polar, with leucine, which is neutral and non-polar, at codon 648 of the TWNK protein (p.Val648Leu). In summary, the available evidence is currently insufficient to determine the role of this variant in disease. Therefore, it has been classified as a Variant of Uncertain Significance. Advanced modeling of protein sequence and biophysical properties (such as structural, functional, and spatial information, amino acid conservation, physicochemical variation, residue mobility, and thermodynamic stability) performed at Invitae indicates that this missense variant is not expected to disrupt TWNK protein function. This variant has not been reported in the literature in individuals affected with TWNK-related conditions. This variant is present in population databases (rs190487176, gnomAD 0.02%).

NM_021830.5(TWNK):c.1942G>C (p.Val648Leu)

Gene: TWNK (twinkle mtDNA helicase; plus strand). Cytogenetic location: 10q24.31.
Variant type: single nucleotide variant.
Coding change: c.1942G>C on transcript NM_021830.5 (MANE Select); coding-DNA position 1942, G replaced by C.
Protein change: p.Val648Leu; replaces valine 648 with leucine.
Molecular consequence: missense variant. On other transcripts: non-coding transcript variant (5), 3 prime UTR variant (2).
Genome position (GRCh38, 1-based): chr10:100,993,397, G>C. VCF-style: chr10-100993397-G-C. GRCh37 (hg19) VCF-style: chr10-102753154-G-C.
Other names: c.*237G>C (NM_001163812.2, NM_001163814.2); c.580G>C, p.Val194Leu (NM_001163813.2, NM_001368275.1); c.1942G>C (NM_021830.4); short protein forms V194L, V648L.
Identifiers: ClinVar variation 3006083 (VCV003006083.4), dbSNP rs190487176, ClinGen allele CA5653370.